The following is an entry in ClinVar:

Conditions:
Long QT syndrome 5 (LQT5). Identifiers: Orphanet 101016, Orphanet 768, MedGen C1867904, MONDO:0013372, OMIM 613695.

Submission:

Roden Lab, Vanderbilt University Medical Center
No classification provided (evidence only). Condition: Long QT syndrome 5. Review status: no classification provided. Collection method: in vitro. Allele origin: not applicable. Functional consequence: Effect on ion channel function.
ClinVar note: "not provided" was previously submitted as the classification for the variant. However, the classification appeared to be based only on an observation of functional data so it was converted to no classification on 2025-07-30.

NM_000219.6(KCNE1):c.366T>A (p.Leu122=)

Gene: KCNE1 (potassium voltage-gated channel subfamily E regulatory subunit 1; minus strand). Cytogenetic location: 21q22.12.
Variant type: single nucleotide variant.
Coding change: c.366T>A on transcript NM_000219.6 (MANE Select); coding-DNA position 366, T replaced by A.
Protein change: p.Leu122=; no amino-acid change (leucine 122 retained).
Molecular consequence: synonymous variant.
Genome position (GRCh38, 1-based): chr21:34,449,269, A>T on the plus strand (T>A on the coding strand, the complement: KCNE1 is on the minus strand). VCF-style: chr21-34449269-A-T. GRCh37 (hg19) VCF-style: chr21-35821567-A-T.
Other names: c.366T>A, p.Leu122= (NM_001127668.4, NM_001127669.4, NM_001127670.4 and 4 more transcripts).
Identifiers: ClinVar variation 3373829 (VCV003373829.2).